The following is an entry in ClinVar:

NM_017617.5(NOTCH1):c.6283C>T (p.Arg2095Cys)

Gene: NOTCH1 (notch receptor 1; minus strand). Cytogenetic location: 9q34.3.
Variant type: single nucleotide variant.
Coding change: c.6283C>T on transcript NM_017617.5 (MANE Select); coding-DNA position 6283, C replaced by T.
Protein change: p.Arg2095Cys; replaces arginine 2095 with cysteine.
Molecular consequence: missense variant.
Genome position (GRCh38, 1-based): chr9:136,497,456, G>A on the plus strand (C>T on the coding strand, the complement: NOTCH1 is on the minus strand). VCF-style: chr9-136497456-G-A. GRCh37 (hg19) VCF-style: chr9-139391908-G-A.
Other names: c.6283C>T, p.Arg2095Cys (LRG_1122t1); short protein forms R2095C.
Identifiers: ClinVar variation 430166 (VCV000430166.16), dbSNP rs780873661, ClinGen allele CA5339951.
Genomic context (GRCh38, chr9:136,497,456, plus strand): 5'-CGTCCAGCAGCCTCACGATGTCGTGATGCATGCGCTCCTGTGCGATGTCGCGCGGCAGGC[G>A]GTCCATATGATCCGTGATGTCCCGGTTGGCAAAGTGGTCCAGCAGCACCTTGGCGGTCTC-3'
Protein context (NP_060087.3, residues 2085-2105): ANRDITDHMD[Arg2095Cys]LPRDIAQERM

ClinVar aggregate classification (germline): Conflicting classifications of pathogenicity. Review status: criteria provided, conflicting classifications (1 of 4 stars). 6 submissions from 5 submitters: Uncertain significance (5); Benign (1). Last evaluated 2025-10-14.

Conditions:
Familial thoracic aortic aneurysm and aortic dissection (TAAD). Also called: Thoracic aortic aneurysms and dissections. Identifiers: Orphanet 91387, MedGen C4707243, MONDO:0019625.
Adams-Oliver syndrome 5 (AOS5). Identifiers: Orphanet 974, MedGen C4014970, MONDO:0014459, OMIM 616028.
Aortic valve disease 1 (AOVD1). Identifiers: MedGen C3887892, MONDO:0024523, OMIM 109730.

Allele frequency attached by ClinVar (database versions not stated): gnomAD exomes 0.00002 and 0.00003; ExAC 0.00003; TOPMed 0.00004; gnomAD 0.00006 and 0.00007.
gnomAD v4.1: 50 of 1,612,310 alleles (0.0031%); highest among the groups gnomAD compares: Middle Eastern, 0.033%; 1 homozygote.

Submissions (6):

Labcorp Genetics (formerly Invitae), Labcorp
Classification: Benign for Adams-Oliver syndrome 5. Last evaluated: 2025-10-14. Review status: criteria provided, single submitter. Criteria: Invitae Variant Classification Sherloc (09022015). Collection method: clinical testing. Allele origin: germline.

Women's Health and Genetics/Laboratory Corporation of America, LabCorp
Classification: Uncertain significance. Last evaluated: 2024-02-05. Review status: criteria provided, single submitter. Criteria: LabCorp Variant Classification Summary - May 2015. Collection method: clinical testing. Allele origin: germline.
Comment: Variant summary: NOTCH1 c.6283C>T (p.Arg2095Cys) results in a non-conservative amino acid change located in the ankyrin repeat-containing domain of the encoded protein sequence. Four of five in-silico tools predict a damaging effect of the variant on protein function. The variant allele was found at a frequency of 3.1e-05 in 1612310 control chromosomes in the gnomAD database, including 1 homozygote. This frequency is approximately equal to the maximum estimated frequency for a pathogenic variant in NOTCH1 causing Aortic Valve Disease (3.1e-05 vs 3.1e-05), suggesting the variant could be a benign polymorphism. To our knowledge, no occurrence of c.6283C>T in individuals affected with Aortic Valve Disease or Adams-Oliver Syndrome 5 and no experimental evidence demonstrating its impact on protein function have been reported. ClinVar contains an entry for this variant (Variation ID: 430166). Based on the evidence outlined above, the variant was classified as uncertain significance.

Ambry Genetics
Classification: Uncertain significance for Familial thoracic aortic aneurysm and aortic dissection. Last evaluated: 2024-01-01. Review status: criteria provided, single submitter. Criteria: Ambry Variant Classification Scheme 2023. Collection method: clinical testing. Allele origin: germline.
Comment: The p.R2095C variant (also known as c.6283C>T), located in coding exon 34 of the NOTCH1 gene, results from a C to T substitution at nucleotide position 6283. The arginine at codon 2095 is replaced by cysteine, an amino acid with highly dissimilar properties. This amino acid position is conserved. In addition, this alteration is predicted to be deleterious by in silico analysis. Since supporting evidence is limited at this time, the clinical significance of this alteration remains unclear.

GeneDx
Classification: Uncertain significance. Last evaluated: 2023-09-15. Review status: criteria provided, single submitter. Criteria: GeneDx Variant Classification Process June 2021. Collection method: clinical testing. Allele origin: germline. Affected: yes.
Comment: Has not been previously published as pathogenic or benign to our knowledge; In silico analysis supports that this missense variant has a deleterious effect on protein structure/function

Genome-Nilou Lab
Classification: Uncertain significance for Adams-Oliver syndrome 5. Last evaluated: 2022-03-15. Review status: criteria provided, single submitter. Criteria: ACMG Guidelines, 2015. Collection method: clinical testing. Allele origin: germline. Affected: no.

Genome-Nilou Lab
Classification: Uncertain significance for Aortic valve disease 1. Last evaluated: 2022-03-15. Review status: criteria provided, single submitter. Criteria: ACMG Guidelines, 2015. Collection method: clinical testing. Allele origin: germline. Affected: no.

Literature cited by the submitters: PubMed 24943832 (cited by Women's Health and Genetics/Laboratory Corporation of America, LabCorp); PubMed 16614245 (cited by Women's Health and Genetics/Laboratory Corporation of America, LabCorp); PubMed 21670202 (cited by Women's Health and Genetics/Laboratory Corporation of America, LabCorp); PubMed 22210878 (cited by Women's Health and Genetics/Laboratory Corporation of America, LabCorp); PubMed 19635999 (cited by Women's Health and Genetics/Laboratory Corporation of America, LabCorp); PubMed 26837699 (cited by Women's Health and Genetics/Laboratory Corporation of America, LabCorp); PubMed 23086750 (cited by Women's Health and Genetics/Laboratory Corporation of America, LabCorp); PubMed 19245433 (cited by Women's Health and Genetics/Laboratory Corporation of America, LabCorp); PubMed 22077063 (cited by Women's Health and Genetics/Laboratory Corporation of America, LabCorp); PubMed 15472075 (cited by Women's Health and Genetics/Laboratory Corporation of America, LabCorp); PubMed 23734977 (cited by Women's Health and Genetics/Laboratory Corporation of America, LabCorp); PubMed 22858860 (cited by Women's Health and Genetics/Laboratory Corporation of America, LabCorp).